The following is an entry in ClinVar:

NM_016222.4(DDX41):c.178del (p.Glu60fs)

Gene: DDX41 (DEAD-box helicase 41; minus strand). Cytogenetic location: 5q35.3.
Variant type: Deletion.
Coding change: c.178del on transcript NM_016222.4 (MANE Select); coding-DNA position 178, one base deleted (G; older notation c.178delG).
Protein change: p.Glu60fs; shifts the reading frame from glutamic acid 60.
Molecular consequence: frameshift variant. On other transcripts: 5 prime UTR variant (2).
Genome position (GRCh38, 1-based): chr5:177,516,408, C deleted on the plus strand (G on the coding strand, the reverse complement: DDX41 is on the minus strand); the first of 2 consecutive C bases (chr5:177,516,408-177,516,409); deleting either gives the same sequence. VCF-style (leftmost placement, unchanged base first): chr5-177516407-TC-T. GRCh37 (hg19) VCF-style: chr5-176943408-TC-T.
Other names: c.-201del (NM_001321732.2, NM_001321830.2); short protein forms E60fs.
Identifiers: ClinVar variation 3728424 (VCV003728424.4).
Genomic context (GRCh38, chr5:177,516,407, plus strand): 5'-CCTAGCGGGATGTCGTCCTCATCTCCCCGGGGTTCACTACCGCTGTCCTGCTGCTCTTCC[TC>T]CGCAGCTCCCTTGCGTCTTCGCTGCAGCAGCTTCTGGAGCTGAGGTTCCACCCGGGATCC-3'

ClinVar aggregate classification (germline): Pathogenic/Likely pathogenic. Review status: criteria provided, multiple submitters, no conflicts (2 of 4 stars). 3 submissions from 3 submitters: Pathogenic (1); Likely pathogenic (2). Last evaluated 2025-05-13.

Conditions:
DDX41-related hematologic malignancy predisposition syndrome. Also called: DDX41-Associated Familial Myelodysplastic Syndrome and Acute Myeloid Leukemia; Myeloproliferative/lymphoproliferative neoplasms, familial (multiple types), susceptibility to. Identifiers: Orphanet 488647, MedGen C4225174, MONDO:0014809, OMIM 616871.

Submissions (3):

Saint-Louis Hospital, Assistance Publique Hôpitaux de Paris
Classification: Likely pathogenic for DDX41-related hematologic malignancy predisposition syndrome. Last evaluated: 2025-05-13. Review status: criteria provided, single submitter. Criteria: ACMG Guidelines, 2015. Collection method: clinical testing. Allele origin: germline. Affected: yes.
Comment: The variant DDX41 (NM_016222.4):c.178del:p.(Glu60ArgfsTer20) is predicted to lead to a frameshift and a premature stop codon. Loss-of-function variants in DDX41 are known to be pathogenic (PMID: 26712909, 27133828). Is is absent from control population databases.

Labcorp Genetics (formerly Invitae), Labcorp
Classification: Pathogenic. Last evaluated: 2025-01-01. Review status: criteria provided, single submitter. Criteria: Invitae Variant Classification Sherloc (09022015). Collection method: clinical testing. Allele origin: germline.
Comment: This sequence change creates a premature translational stop signal (p.Glu60Argfs*20) in the DDX41 gene. It is expected to result in an absent or disrupted protein product. Loss-of-function variants in DDX41 are known to be pathogenic (PMID: 26712909, 27133828). This variant is not present in population databases (gnomAD no frequency). This variant has not been reported in the literature in individuals affected with DDX41-related conditions. For these reasons, this variant has been classified as Pathogenic.

Institute for Genomic Medicine (IGM) Clinical Laboratory, Nationwide Children's Hospital
Classification: Likely pathogenic for DDX41-related hematologic malignancy predisposition syndrome. Last evaluated: 2024-12-09. Review status: criteria provided, single submitter. Criteria: ACMG Guidelines, 2015. Collection method: clinical testing. Allele origin: germline.
Comment: This variant is predicted to result in loss of function through nonsense-mediated decay of the encoded transcript or premature truncation of the encoded protein in a gene in which loss of function is a known mechanism of disease (ACMG/AMP: PVS1; PMIDs:25920683, 26712909, 35671390). This variant is absent from or present at an exceedingly low frequency in gnomAD, a large-scale control population database (ACMG/AMP: PM2).

Literature cited by the submitters: PubMed 26712909 (cited by 3 submitters); PubMed 27133828 (cited by Saint-Louis Hospital, Assistance Publique Hôpitaux de Paris and Labcorp Genetics (formerly Invitae), Labcorp); PubMed 25920683 (cited by Institute for Genomic Medicine (IGM) Clinical Laboratory, Nationwide Children's Hospital); PubMed 35671390 (cited by Institute for Genomic Medicine (IGM) Clinical Laboratory, Nationwide Children's Hospital).